The following is an entry in ClinVar:

NM_000260.4(MYO7A):c.1667del (p.Gly556fs)

Gene: MYO7A (myosin VIIA; plus strand). Cytogenetic location: 11q13.5.
Variant type: Deletion.
Coding change: c.1667del on transcript NM_000260.4 (MANE Select); coding-DNA position 1667, one base deleted (G; older notation c.1667delG).
Protein change: p.Gly556fs; shifts the reading frame from glycine 556.
Molecular consequence: frameshift variant.
Genome position (GRCh38, 1-based): chr11:77,162,965, G deleted; the last of 2 consecutive G bases (chr11:77,162,964-77,162,965); deleting either gives the same sequence. VCF-style (leftmost placement, unchanged base first): chr11-77162963-AG-A. GRCh37 (hg19) VCF-style: chr11-76874009-AG-A.
Other names: c.1667del, p.Gly556fs (NM_001127180.2); c.1634del, p.Gly545fs (NM_001369365.1); short protein forms G556fs, G545fs.
Identifiers: ClinVar variation 4731289 (VCV004731289.1).

ClinVar aggregate classification (germline): Pathogenic (1 of 4 stars; one submission).

Submission:

Labcorp Genetics (formerly Invitae), Labcorp
Classification: Pathogenic. Last evaluated: 2025-11-16. Review status: criteria provided, single submitter. Criteria: Invitae Variant Classification Sherloc (09022015). Collection method: clinical testing. Allele origin: germline.
Comment: This sequence change creates a premature translational stop signal (p.Gly556Alafs*66) in the MYO7A gene. It is expected to result in an absent or disrupted protein product. Loss-of-function variants in MYO7A are known to be pathogenic (PMID: 8900236, 25404053). This variant is not present in population databases (gnomAD no frequency). This variant has not been reported in the literature in individuals affected with MYO7A-related conditions. For these reasons, this variant has been classified as Pathogenic.

Literature cited by the submitters: PubMed 8900236; PubMed 25404053.